The following is an entry in ClinVar:

NM_001386140.1(MTTP):c.942C>G (p.Tyr314Ter)

Gene: MTTP (microsomal triglyceride transfer protein; plus strand). Cytogenetic location: 4q23.
Variant type: single nucleotide variant.
Coding change: c.942C>G on transcript NM_001386140.1 (MANE Select); coding-DNA position 942, C replaced by G.
Protein change: p.Tyr314Ter; replaces tyrosine 314 with a stop codon.
Molecular consequence: nonsense.
Genome position (GRCh38, 1-based): chr4:99,597,099, C>G. VCF-style: chr4-99597099-C-G. GRCh37 (hg19) VCF-style: chr4-100518256-C-G.
Other names: c.942C>G, p.Tyr314Ter (NM_000253.4); c.693C>G, p.Tyr231Ter (NM_001300785.2); short protein forms Y231*, Y314*.
Identifiers: ClinVar variation 2603785 (VCV002603785.2), dbSNP rs2476118093, ClinGen allele CA357506627.

ClinVar aggregate classification (germline): Pathogenic (1 of 4 stars; one submission).

Conditions:
Inborn genetic diseases. Identifiers: MedGen C0950123, MeSH D030342.

Submission:

Ambry Genetics
Classification: Pathogenic for Inborn genetic diseases. Last evaluated: 2023-06-20. Review status: criteria provided, single submitter. Criteria: Ambry Variant Classification Scheme 2023. Collection method: clinical testing. Allele origin: germline.
Comment: The c.942C>G (p.Y314*) alteration, located in exon 9 (coding exon 8) of the MTTP gene, consists of a C to G substitution at nucleotide position 942. This changes the amino acid from a tyrosine (Y) to a stop codon at amino acid position 314. This alteration is expected to result in loss of function by premature protein truncation or nonsense-mediated mRNA decay. This variant was not reported in population-based cohorts in the Genome Aggregation Database (gnomAD). Based on the available evidence, this alteration is classified as pathogenic.